The following is an entry in ClinVar:

NM_005802.5(TOPORS):c.377G>A (p.Arg126His)

Gene: TOPORS (TOP1 binding arginine/serine rich protein, E3 ubiquitin ligase; minus strand). Cytogenetic location: 9p21.1.
Variant type: single nucleotide variant.
Coding change: c.377G>A on transcript NM_005802.5 (MANE Select); coding-DNA position 377, G replaced by A.
Protein change: p.Arg126His; replaces arginine 126 with histidine.
Molecular consequence: missense variant.
Genome position (GRCh38, 1-based): chr9:32,544,148, C>T on the plus strand (G>A on the coding strand, the complement: TOPORS is on the minus strand). VCF-style: chr9-32544148-C-T. GRCh37 (hg19) VCF-style: chr9-32544146-C-T.
Other names: c.182G>A, p.Arg61His (NM_001195622.2); short protein forms R126H, R61H.
Identifiers: ClinVar variation 1963877 (VCV001963877.5), dbSNP rs777936936, ClinGen allele CA5020655.

ClinVar aggregate classification (germline): Uncertain significance (1 of 4 stars; one submission).

Allele frequency attached by ClinVar (database versions not stated): TOPMed 0.00001.

Submission:

Labcorp Genetics (formerly Invitae), Labcorp
Classification: Uncertain significance. Last evaluated: 2024-12-02. Review status: criteria provided, single submitter. Criteria: Invitae Variant Classification Sherloc (09022015). Collection method: clinical testing. Allele origin: germline.
Comment: This sequence change replaces arginine, which is basic and polar, with histidine, which is basic and polar, at codon 126 of the TOPORS protein (p.Arg126His). This variant is present in population databases (rs777936936, gnomAD 0.01%). This variant has not been reported in the literature in individuals affected with TOPORS-related conditions. ClinVar contains an entry for this variant (Variation ID: 1963877). An algorithm developed to predict the effect of missense changes on protein structure and function (PolyPhen-2) suggests that this variant is likely to be disruptive. In summary, the available evidence is currently insufficient to determine the role of this variant in disease. Therefore, it has been classified as a Variant of Uncertain Significance.